The following is an entry in ClinVar:

ClinVar aggregate classification (germline): Uncertain significance (1 of 4 stars; one submission).

Conditions:
Polyglandular autoimmune syndrome, type 1 (APS1). Also called: AUTOIMMUNE POLYENDOCRINE SYNDROME, TYPE I, WITH OR WITHOUT REVERSIBLE METAPHYSEAL DYSPLASIA; PGA I; Whitaker syndrome; Autoimmune polyendocrine syndrome type 1; APS I; Autoimmune polyendocrinopathy syndrome, type I. Identifiers: Orphanet 3453, MedGen C0085859, MONDO:0009411, OMIM 240300.

Submission:

Neuberg Centre For Genomic Medicine, NCGM
Classification: Uncertain significance for Polyglandular autoimmune syndrome, type 1. Review status: criteria provided, single submitter. Criteria: ACMG Guidelines, 2015. Collection method: clinical testing. Allele origin: germline. Inheritance: Autosomal recessive inheritance. Affected: yes.
Comment: The missense variant p.A58T in AIRE (NM_000383.4) has not been reported previously as a pathogenic variant nor as a benign variant, to our knowledge. The p.A58T variant is novel (not in any individuals) in gnomAD Exomes and is novel (not in any individuals) in 1000 Genomes. The p.A58T missense variant is predicted to be damaging by both SIFT and PolyPhen2. The alanine residue at codon 58 of AIRE is conserved in all mammalian species. The nucleotide c.172 in AIRE is predicted conserved by GERP++ and PhyloP across 100 vertebrates. For these reasons, this variant has been classified as Uncertain Significance.

NM_000383.4(AIRE):c.172G>A (p.Ala58Thr)

Gene: AIRE (autoimmune regulator; plus strand). Cytogenetic location: 21q22.3.
Variant type: single nucleotide variant.
Coding change: c.172G>A on transcript NM_000383.4 (MANE Select); coding-DNA position 172, G replaced by A.
Protein change: p.Ala58Thr; replaces alanine 58 with threonine.
Molecular consequence: missense variant.
Genome position (GRCh38, 1-based): chr21:44,286,596, G>A. VCF-style: chr21-44286596-G-A. GRCh37 (hg19) VCF-style: chr21-45706479-G-A.
Other names: short protein forms A58T.
Identifiers: ClinVar variation 2627471 (VCV002627471.1), dbSNP rs2517876259, ClinGen allele CA410423282.